The following is an entry in ClinVar:

ClinVar aggregate classification (germline): Uncertain significance (1 of 4 stars; one submission).

Submission:

GeneDx
Classification: Uncertain significance. Last evaluated: 2024-09-13. Review status: criteria provided, single submitter. Criteria: GeneDx Variant Classification Process June 2021. Collection method: clinical testing. Allele origin: germline. Affected: yes.
Comment: Not observed at significant frequency in large population cohorts (gnomAD); In silico analysis supports that this missense variant has a deleterious effect on protein structure/function; Has not been previously published as pathogenic or benign to our knowledge

NM_012398.3(PIP5K1C):c.889G>A (p.Ala297Thr)

Gene: PIP5K1C (phosphatidylinositol-4-phosphate 5-kinase type 1 gamma; minus strand). Cytogenetic location: 19p13.3.
Variant type: single nucleotide variant.
Coding change: c.889G>A on transcript NM_012398.3 (MANE Select); coding-DNA position 889, G replaced by A.
Protein change: p.Ala297Thr; replaces alanine 297 with threonine.
Molecular consequence: missense variant.
Genome position (GRCh38, 1-based): chr19:3,653,322, C>T on the plus strand (G>A on the coding strand, the complement: PIP5K1C is on the minus strand). VCF-style: chr19-3653322-C-T. GRCh37 (hg19) VCF-style: chr19-3653320-C-T.
Other names: c.889G>A, p.Ala297Thr (NM_001195733.2, NM_001300849.2); short protein forms A297T.
Identifiers: ClinVar variation 3770063 (VCV003770063.1).
Genomic context (GRCh38, chr19:3,653,322, plus strand): 5'-CCCTCCCCGGCCGGGGCCGAGCCCTCACCAGGCAGTCCCGCTGCAGCGTCTTGACCAGGG[C>T]GCTGAAGGTGTCGGCGTCCAGCAGGAGCCCCTCGGGCATGTCCTGCATGAAGTCCAGGTC-3'
Protein context (NP_036530.1, residues 287-307): GLLLDADTFS[Ala297Thr]LVKTLQRDCL